The following is an entry in ClinVar:

ClinVar aggregate classification (germline): Uncertain significance. Review status: criteria provided, multiple submitters, no conflicts (2 of 4 stars). 3 submissions from 3 submitters: Uncertain significance (3). Last evaluated 2026-04-02.

Conditions:
Autosomal recessive limb-girdle muscular dystrophy type 2L (LGMDR12). Also called: Limb-girdle muscular dystrophy, type 2L; MUSCULAR DYSTROPHY, LIMB-GIRDLE, AUTOSOMAL RECESSIVE 12; Limb-Girdle Muscular Dystrophy R12 Anoctamin-5-Related (LGMD-R12). Identifiers: Orphanet 206549, MedGen C1969785, MONDO:0012652, OMIM 611307.
Gnathodiaphyseal dysplasia (GDD). Also called: OSTEOGENESIS IMPERFECTA WITH UNUSUAL SKELETAL LESIONS; GNATHODIAPHYSEAL SCLEROSIS. Identifiers: Orphanet 53697, MedGen C1833736, MONDO:0008151, OMIM 166260.

Allele frequency attached by ClinVar (database versions not stated): gnomAD 0.00004 and 0.00003; TOPMed 0.00004; gnomAD exomes 0.00002; ESP Exome Variant Server 0.00008; ExAC 0.00004.
gnomAD v4.1: 35 of 1,608,536 alleles (0.0022%); highest among the groups gnomAD compares: Middle Eastern, 0.016%; no homozygotes.

Submissions (3):

GeneDx
Classification: Uncertain significance. Last evaluated: 2026-04-02. Review status: criteria provided, single submitter. Criteria: GeneDx Variant Classification Process June 2021. Collection method: clinical testing. Allele origin: germline.
Comment: Reported with a second variant, phase unknown, in a patient with limb-girdle muscular dystrophy in published literature (PMID: 39678382); In silico analysis suggests that this missense variant does not alter protein structure/function; This variant is associated with the following publications: (PMID: 39678382)

Labcorp Genetics (formerly Invitae), Labcorp
Classification: Uncertain significance for Autosomal recessive limb-girdle muscular dystrophy type 2L; Gnathodiaphyseal dysplasia. Last evaluated: 2024-10-16. Review status: criteria provided, single submitter. Criteria: Invitae Variant Classification Sherloc (09022015). Collection method: clinical testing. Allele origin: germline.
Comment: This sequence change replaces alanine, which is neutral and non-polar, with threonine, which is neutral and polar, at codon 94 of the ANO5 protein (p.Ala94Thr). This variant is present in population databases (rs367731017, gnomAD 0.03%). This variant has not been reported in the literature in individuals affected with ANO5-related conditions. ClinVar contains an entry for this variant (Variation ID: 852523). An algorithm developed to predict the effect of missense changes on protein structure and function outputs the following: PolyPhen-2: "Benign". The threonine amino acid residue is found in multiple mammalian species, which suggests that this missense change does not adversely affect protein function. In summary, the available evidence is currently insufficient to determine the role of this variant in disease. Therefore, it has been classified as a Variant of Uncertain Significance.

Revvity Omics, Revvity
Classification: Uncertain significance. Last evaluated: 2020-03-10. Review status: criteria provided, single submitter. Criteria: ACMG Guidelines, 2015. Collection method: clinical testing. Allele origin: germline.

NM_213599.3(ANO5):c.280G>A (p.Ala94Thr)

Gene: ANO5 (anoctamin 5; plus strand). Cytogenetic location: 11p14.3.
Variant type: single nucleotide variant.
Coding change: c.280G>A on transcript NM_213599.3 (MANE Select); coding-DNA position 280, G replaced by A.
Protein change: p.Ala94Thr; replaces alanine 94 with threonine.
Molecular consequence: missense variant.
Genome position (GRCh38, 1-based): chr11:22,221,196, G>A. VCF-style: chr11-22221196-G-A. GRCh37 (hg19) VCF-style: chr11-22242742-G-A.
Other names: c.277G>A, p.Ala93Thr (NM_001142649.2); short protein forms A93T, A94T.
Identifiers: ClinVar variation 852523 (VCV000852523.12), dbSNP rs367731017, ClinGen allele CA5922854.